The following is an entry in ClinVar:

NM_006735.4(HOXA2):c.865C>T (p.His289Tyr)

Gene: HOXA2 (homeobox A2; minus strand). Cytogenetic location: 7p15.2.
Variant type: single nucleotide variant.
Coding change: c.865C>T on transcript NM_006735.4 (MANE Select); coding-DNA position 865, C replaced by T.
Protein change: p.His289Tyr; replaces histidine 289 with tyrosine.
Molecular consequence: missense variant.
Genome position (GRCh38, 1-based): chr7:27,100,992, G>A on the plus strand (C>T on the coding strand, the complement: HOXA2 is on the minus strand). VCF-style: chr7-27100992-G-A. GRCh37 (hg19) VCF-style: chr7-27140611-G-A.
Other names: short protein forms H289Y.
Identifiers: ClinVar variation 3040678 (VCV003040678.2), dbSNP rs760415353, ClinGen allele CA4196122.

ClinVar aggregate classification (germline): Likely benign (0 of 4 stars; one submission).

Conditions:
HOXA2-related disorder. Also called: HOXA2-related condition.

Allele frequency attached by ClinVar (database versions not stated): gnomAD 0.00003; gnomAD exomes 0.00010; ExAC 0.00051.
gnomAD v4.1: 151 of 1,614,096 alleles (0.0094%); highest among the groups gnomAD compares: Admixed American, 0.25%; 1 homozygote.

Submission:

PreventionGenetics, part of Exact Sciences
Classification: Likely benign for HOXA2-related condition. Last evaluated: 2023-02-03. Review status: no assertion criteria provided. Collection method: clinical testing. Allele origin: germline.
Comment: This variant is classified as likely benign based on ACMG/AMP sequence variant interpretation guidelines (Richards et al. 2015 PMID: 25741868, with internal and published modifications).